The following is an entry in ClinVar:

NM_000285.4(PEPD):c.1231G>A (p.Val411Met)

Gene: PEPD (peptidase D; minus strand). Cytogenetic location: 19q13.11.
Variant type: single nucleotide variant.
Coding change: c.1231G>A on transcript NM_000285.4 (MANE Select); coding-DNA position 1231, G replaced by A.
Protein change: p.Val411Met; replaces valine 411 with methionine.
Molecular consequence: missense variant.
Genome position (GRCh38, 1-based): chr19:33,388,003, C>T on the plus strand (G>A on the coding strand, the complement: PEPD is on the minus strand). VCF-style: chr19-33388003-C-T. GRCh37 (hg19) VCF-style: chr19-33878909-C-T.
Other names: p.Val411Met; c.1108G>A, p.Val370Met (NM_001166056.2); c.1039G>A, p.Val347Met (NM_001166057.2); short protein forms V370M, V347M, V411M.
Identifiers: ClinVar variation 2049948 (VCV002049948.4), dbSNP rs544921062, ClinGen allele CA9363955.

ClinVar aggregate classification (germline): Uncertain significance. Review status: criteria provided, multiple submitters, no conflicts (2 of 4 stars). 3 submissions from 3 submitters: Uncertain significance (3). Last evaluated 2024-10-15.

Conditions:
Inborn genetic diseases. Identifiers: MedGen C0950123, MeSH D030342.

Allele frequency attached by ClinVar (database versions not stated): gnomAD exomes 0.00001; ExAC 0.00003; gnomAD 0.00004; TOPMed 0.00005; 1000 Genomes Project 30x 0.00016; 1000 Genomes Project 0.00020.
gnomAD v4.1: 20 of 1,577,362 alleles (0.0013%); highest among the groups gnomAD compares: African/African-American, 0.0094%; no homozygotes.

Submissions (3):

Labcorp Genetics (formerly Invitae), Labcorp
Classification: Uncertain significance. Last evaluated: 2024-10-15. Review status: criteria provided, single submitter. Criteria: Invitae Variant Classification Sherloc (09022015). Collection method: clinical testing. Allele origin: germline.
Comment: This sequence change replaces valine, which is neutral and non-polar, with methionine, which is neutral and non-polar, at codon 411 of the PEPD protein (p.Val411Met). The frequency data for this variant in the population databases is considered unreliable, as metrics indicate poor data quality at this position in the gnomAD database. This variant has not been reported in the literature in individuals affected with PEPD-related conditions. ClinVar contains an entry for this variant (Variation ID: 2049948). Invitae Evidence Modeling of protein sequence and biophysical properties (such as structural, functional, and spatial information, amino acid conservation, physicochemical variation, residue mobility, and thermodynamic stability) has been performed for this missense variant. However, the output from this modeling did not meet the statistical confidence thresholds required to predict the impact of this variant on PEPD protein function. In summary, the available evidence is currently insufficient to determine the role of this variant in disease. Therefore, it has been classified as a Variant of Uncertain Significance.

Ambry Genetics
Classification: Uncertain significance for Inborn genetic diseases. Last evaluated: 2022-12-19. Review status: criteria provided, single submitter. Criteria: Ambry Variant Classification Scheme 2023. Collection method: clinical testing. Allele origin: germline.

Mayo Clinic Laboratories, Mayo Clinic
Classification: Uncertain significance. Last evaluated: 2022-08-01. Review status: criteria provided, single submitter. Criteria: ACMG Guidelines, 2015. Collection method: clinical testing. Allele origin: germline. Observed: 1 variant allele.